The following is an entry in ClinVar:

ClinVar aggregate classification (germline): Likely pathogenic (1 of 4 stars; one submission).

Conditions:
Fabry disease. Also called: ALPHA-GALACTOSIDASE A DEFICIENCY; ANDERSON-FABRY DISEASE; CERAMIDE TRIHEXOSIDASE DEFICIENCY; GLA DEFICIENCY; HEREDITARY DYSTOPIC LIPIDOSIS; Angiokeratoma corporis diffusum. Identifiers: Orphanet 324, MedGen C0002986, MONDO:0010526, OMIM 301500, HP:0001071. Disease mechanism: Fabry disease is due to inactivating mutations in the X-linked GLA gene resulting in deficiency of the enzyme Alpha Galactosidase-A., loss of function.

Submission:

Genomenon, Inc
Classification: Likely pathogenic for Fabry disease. Last evaluated: 2026-09-08. Review status: criteria provided, single submitter. Criteria: Genomenon Sequence Variant Interpretation Standards - Updated. Collection method: curation. Allele origin: germline. Affected: no.
Comment: GLA p.Phe273Leu (c.819T>G) is a missense variant that changes the amino acid at codon 273 from Phenylalanine to Leucine. To our knowledge, this variant has not been reported in patients affected with Fabry disease in the published literature. At least one functional study has demonstrated a substantial alteration in protein function relative to the wild-type (PMID:27657681). It is absent or not present at a significant frequency in gnomAD. In silico models predict that this variant is possibly or probably damaging. In conclusion, we classify GLA p.Phe273Leu (c.819T>G) as a likely pathogenic variant.

Literature cited by the submitters: PubMed 27657681.

NM_000169.3(GLA):c.819T>G (p.Phe273Leu)

Genes: GLA (galactosidase alpha; minus strand), RPL36A-HNRNPH2 (RPL36A-HNRNPH2 readthrough; plus strand). Cytogenetic location: Xq22.1.
Variant type: single nucleotide variant.
Coding change: c.819T>G on transcript NM_000169.3 (MANE Select); coding-DNA position 819, T replaced by G.
Protein change: p.Phe273Leu; replaces phenylalanine 273 with leucine.
Molecular consequence: missense variant. On other transcripts: non-coding transcript variant (3), intron variant (2).
Genome position (GRCh38, 1-based): chrX:101,398,550, A>C on the plus strand (T>G on the coding strand, the complement: GLA is on the minus strand). VCF-style: chrX-101398550-A-C. GRCh37 (hg19) VCF-style: chrX-100653538-A-C.
Other names: c.942T>G, p.Phe314Leu (NM_001406747.1); c.819T>G, p.Phe273Leu (NM_001406748.1); c.300+3093A>C (NM_001199973.2); c.177+6728A>C (NM_001199974.2); short protein forms F273L, F314L.
Identifiers: ClinVar variation 4087530 (VCV004087530.2).